The following is an entry in ClinVar:

ClinVar aggregate classification (germline): Likely pathogenic. Review status: reviewed by expert panel (3 of 4 stars). 6 submissions from 6 submitters: Likely pathogenic (1). 5 of the submissions do not count toward it. Last evaluated 2026-10-13.

Conditions:
Galactosemia. Also called: Galactose intolerance. Identifiers: Orphanet 352, MedGen C0016952, MONDO:0018116, HP:0004919. Disease mechanism: loss of function.
Deficiency of UDPglucose-hexose-1-phosphate uridylyltransferase. Also called: GALACTOSE-1-PHOSPHATE URIDYLYLTRANSFERASE DEFICIENCY; Transferase Deficiency Galactosemia; GALACTOSEMIA I; GALT deficiency; Galactosemia, classic. Identifiers: Orphanet 352, Orphanet 79239, MedGen C0268151, MONDO:0009258, OMIM 230400.

Submissions (6):

Clingen Galactosemia Variant Curation Expert Panel, ClinGen
Classification: Likely pathogenic for Galactosemia. Last evaluated: 2026-10-13. Review status: reviewed by expert panel. Criteria: ClinGen Galactosemia ACMG Specifications GALT V1.1. Collection method: curation. Allele origin: germline. Inheritance: Autosomal recessive inheritance.
Comment: The c.752_753delinsCT variant in GALT is a missense variant predicted to cause substitution of tyrosine by serine at amino acid 251 (p.Tyr251Ser). At least one patient with this variant displayed < 1% of control GALT activity in peripheral erythrocytes, which is highly specific for galactosemia (PP4_moderate, internal lab contributors). This variant is absent from gnomAD v4.1.0 (PM2_Supporting). The computational predictor REVEL gives a score of 0.879, for this missense which is equal to or above the threshold of 0.7, evidence that correlates with impact to GALT function (PP3). In summary, this variant meets the criteria to be classified as Likely pathogenic for galactosemia based on the ACMG/AMP criteria applied, as specified by the ClinGen Galactosemia VCEP: PM3, PP4_moderate, PM2_supporting, PP3.

Labcorp Genetics (formerly Invitae), Labcorp
Classification: Pathogenic for Deficiency of UDPglucose-hexose-1-phosphate uridylyltransferase. Last evaluated: 2025-10-26. Review status: criteria provided, single submitter. Criteria: Invitae Variant Classification Sherloc (09022015). Collection method: clinical testing. Allele origin: germline. Not counted in ClinVar's aggregate classification.
Comment: This sequence change replaces tyrosine, which is neutral and polar, with serine, which is neutral and polar, at codon 251 of the GALT protein (p.Tyr251Ser). Information on the frequency of this variant in the gnomAD database is not available, as this variant may be reported differently in the database. This missense change has been observed in individual(s) with galactosemia (PMID: 11397328, 11754113; internal data). In at least one individual the data is consistent with being in trans (on the opposite chromosome) from a pathogenic variant. ClinVar contains an entry for this variant (Variation ID: 286433). An algorithm developed to predict the effect of missense changes on protein structure and function (PolyPhen-2) suggests that this variant is likely to be disruptive. This variant disrupts the p.Tyr251 amino acid residue in GALT. Other variant(s) that disrupt this residue have been observed in individuals with GALT-related conditions (PMID: 10384398), which suggests that this may be a clinically significant amino acid residue. For these reasons, this variant has been classified as Pathogenic.

Natera, Inc.
Classification: Likely pathogenic for Galactosemia. Last evaluated: 2025-09-10. Review status: criteria provided, single submitter. Criteria: Natera Variant Classification Schema (03/2026). Collection method: clinical testing. Allele origin: germline. Not counted in ClinVar's aggregate classification.
Comment: The c.752_753delACinsCT variant in GALT is a deletion-insertion (delins) variant predicted to replace one or more nucleotides with a different sequence. This variant is rare in the general population with a frequency below the threshold expected for the associated phenotype(s). Another variant at this same site results in an alteration predicted to cause a similar molecular effect has been observed in individual(s) with the associated phenotype. Computational prediction algorithms indicate this variant is likely to affect gene or protein function. Given the available evidence, this variant is classified as Likely Pathogenic.

Women's Health and Genetics/Laboratory Corporation of America, LabCorp
Classification: Uncertain significance. Last evaluated: 2024-04-22. Review status: criteria provided, single submitter. Criteria: LabCorp Variant Classification Summary - May 2015. Collection method: clinical testing. Allele origin: germline. Not counted in ClinVar's aggregate classification.
Comment: Variant summary: GALT c.752_753delinsCT (p.Tyr251Ser) results in a non-conservative amino acid change located in the Galactose-1-phosphate uridyl transferase, C-terminal (IPR005850) of the encoded protein sequence. Three of three in-silico tools predict a damaging effect of the variant on protein function. The variant allele was found at a frequency of 1.2e-05 in 1613432 control chromosomes (gnomAD v4.0.0). This frequency is not significantly higher than estimated for a pathogenic variant in GALT causing Galactosemia (1.2e-05 vs 0.0029), allowing no conclusion about variant significance. c.752_753delinsCT has been reported in the literature in individuals affected with Galactosemia (Yang_2002, Robertson_2000). These data indicate that the variant may be associated with disease. To our knowledge, no experimental evidence demonstrating an impact on protein function has been reported. The following publications have been ascertained in the context of this evaluation (PMID: 11397328, 11754113). ClinVar contains an entry for this variant (Variation ID: 286433). Based on the evidence outlined above, the variant was classified as VUS-possibly pathogenic.

ARUP Laboratories, Molecular Genetics and Genomics, ARUP Laboratories
Classification: Likely pathogenic for Deficiency of UDPglucose-hexose-1-phosphate uridylyltransferase. Last evaluated: 2021-08-06. Review status: criteria provided, single submitter. Criteria: ARUP Molecular Germline Variant Investigation Process 2021. Collection method: clinical testing. Allele origin: germline. Not counted in ClinVar's aggregate classification.
Comment: The GALT c.752_753delinsCT; p.Tyr251Ser variant (rs886043390), to our knowledge, is not reported in the medical literature but is reported in ClinVar (Variation ID: 286433). However, other variants at this codon, including one resulting in the same amino acid change (c.752A>C; p.Tyr251Ser; c.752A>G; p.Tyr251Cys), have been reported in individuals with galactosemia (Elsas 1998, Robertson 2000, Shin 1999, Tyfield 1999, Yang 2002). The c.752_753delinsCT; p.Tyr251Ser variant is absent from the Genome Aggregation Database, indicating it is not a common polymorphism. The tyrosine at codon 251 is weakly conserved, but computational analyses predict that this variant is deleterious (REVEL: 0.975). Based on available information, this variant is considered to be likely pathogenic. References: Elsas LJ 2nd and Lai K. The molecular biology of galactosemia. Genet Med. 1998 Nov-Dec;1(1):40-8. PMID: 11261429. Robertson A et al. Outcomes analysis of verbal dyspraxia in classic galactosemia. Genet Med. 2000 Mar-Apr;2(2):142-8. PMID: 11397328. Shin YS et al. Molecular and biochemical basis for variants and deficiency forms of galactose-1-phosphate uridyltransferase. J Inherit Metab Dis. 1999 May;22(3):327-9. PMID: 10384398. Tyfield L et al. Classical galactosemia and mutations at the galactose-1-phosphate uridyl transferase (GALT) gene. Hum Mutat. 1999;13(6):417-30. PMID: 10408771. Yang YP et al. Molecular analysis in newborns from Texas affected with galactosemia. Hum Mutat. 2002 Jan;19(1):82-3. PMID: 11754113.

Eurofins Ntd Llc (ga)
Classification: Likely pathogenic. Last evaluated: 2016-02-22. Review status: criteria provided, single submitter. Criteria: EGL Classification Definitions 2015. Collection method: clinical testing. Allele origin: germline. Observed: 1 variant allele, 1 heterozygote. Not counted in ClinVar's aggregate classification.

Literature cited by the submitters: PubMed 11397328 (cited by Labcorp Genetics (formerly Invitae), Labcorp and Women's Health and Genetics/Laboratory Corporation of America, LabCorp); PubMed 11754113 (cited by 3 submitters); PubMed 10384398 (cited by Labcorp Genetics (formerly Invitae), Labcorp); PubMed 10408771 (cited by Eurofins Ntd Llc (ga)); PubMed 11261429 (cited by Eurofins Ntd Llc (ga)).

NM_000155.4(GALT):c.752_753delinsCT (p.Tyr251Ser)

Gene: GALT (galactose-1-phosphate uridylyltransferase; plus strand). Cytogenetic location: 9p13.3.
Variant type: Indel.
Coding change: c.752_753delinsCT on transcript NM_000155.4 (MANE Select); coding-DNA positions 752 to 753, AC replaced by CT.
Protein change: p.Tyr251Ser; replaces tyrosine 251 with serine.
Molecular consequence: missense variant.
Genome position (GRCh38, 1-based): chr9:34,648,826-34,648,827, AC replaced by CT. VCF-style: chr9-34648826-AC-CT. GRCh37 (hg19) VCF-style: chr9-34648823-AC-CT.
Other names: NM_000155.4(GALT):c.752_753delinsCT; p.Tyr251Ser; c.425_426delinsCT, p.Tyr142Ser (NM_001258332.2); c.752_753delACinsCT (NM_000155.3); short protein forms Y142S, Y251S.
Identifiers: ClinVar variation 286433 (VCV000286433.21), dbSNP rs886043390, ClinGen allele CA10605461.